The following is an entry in ClinVar:

ClinVar aggregate classification (germline): Pathogenic (1 of 4 stars; one submission).

Submission:

Labcorp Genetics (formerly Invitae), Labcorp
Classification: Pathogenic. Last evaluated: 2023-08-14. Review status: criteria provided, single submitter. Criteria: Invitae Variant Classification Sherloc (09022015). Collection method: clinical testing. Allele origin: unknown.
Comment: For these reasons, this variant has been classified as Pathogenic. This variant has not been reported in the literature in individuals affected with ANO10-related conditions. This variant is a gross deletion of the genomic region encompassing exon(s) 7 of the ANO10 gene. This deletion is out-of-frame, and is expected to create a premature termination codon and result in an absent or disrupted protein product. Loss-of-function variants in ANO10 are known to be pathogenic (PMID: 25089919).

Literature cited by the submitters: PubMed 25089919.

NC_000003.11:g.(?_43616281)_(43616376_?)del

Gene: ANO10 (anoctamin 10; minus strand). Cytogenetic location: 3p22.1.
Variant type: Deletion.
Identifiers: ClinVar variation 3247029 (VCV003247029.1).